The following is an entry in ClinVar:

NM_000492.4(CFTR):c.3889dup (p.Ser1297fs)

Gene: CFTR (CF transmembrane conductance regulator; plus strand). Cytogenetic location: 7q31.2.
Variant type: Duplication.
Coding change: c.3889dup on transcript NM_000492.4 (MANE Select); coding-DNA position 3889, one base duplicated (T; older notation c.3889dupT).
Protein change: p.Ser1297fs; shifts the reading frame from serine 1297.
Molecular consequence: frameshift variant.
Genome position (GRCh38, 1-based): chr7:117,652,857, T duplicated; the last of 6 consecutive T bases (chr7:117,652,852-117,652,857); duplicating any one gives the same sequence. VCF-style (leftmost placement, unchanged base first): chr7-117652851-A-AT. GRCh37 (hg19) VCF-style: chr7-117292905-A-AT.
Other names: 4016insT; c.3889dupT (NM_000492.3); short protein forms S1297fs.
Identifiers: ClinVar variation 53841 (VCV000053841.24), dbSNP rs121908808, ClinGen allele CA327328.

ClinVar aggregate classification (germline): Pathogenic. Review status: reviewed by expert panel (3 of 4 stars). 15 submissions from 13 submitters: Pathogenic (1). 14 of the submissions do not count toward it. Last evaluated 2017-03-17.

Conditions:
CFTR-related disorder (CFTR-RD). Also called: CFTR-related condition; CFTR-related disorders. Identifiers: MedGen C5924204, MONDO:7770004.
Congenital bilateral aplasia of vas deferens from CFTR mutation (CBAVD). Identifiers: Orphanet 48, MedGen C0403814, MONDO:0010178, OMIM 277180. Disease mechanism: loss of function.
Cystic fibrosis (CF). Also called: MUCOVISCIDOSIS. Identifiers: Orphanet 586, MedGen C0010674, MONDO:0009061, OMIM 219700. Disease mechanism: loss of function.
Bronchiectasis with or without elevated sweat chloride 1 (BESC1). Also called: Cystic Fibrosis-Like Syndrome. Identifiers: Orphanet 60033, MedGen C2749757, MONDO:0008887, OMIM 211400.
Hereditary pancreatitis (PCTT). Also called: PRSS1-Related Hereditary Pancreatitis; Hereditary chronic pancreatitis. Identifiers: Orphanet 676, MedGen C0238339, MONDO:0008185, OMIM 167800.

Submissions (15):

CFTR2
Classification: Pathogenic for Cystic fibrosis. Last evaluated: 2017-03-17. Review status: reviewed by expert panel. Criteria: Sosnay PR et al. (Nat Genet 2013). Collection method: research. Allele origin: germline. Affected: yes. Study: CFTR2.

Institute of Human Genetics, University of Leipzig Medical Center
Classification: Pathogenic for Cystic fibrosis. Last evaluated: 2026-03-25. Review status: criteria provided, single submitter. Criteria: ACMG Guidelines, 2015. Collection method: clinical testing. Allele origin: unknown. Inheritance: Autosomal dominant inheritance. Affected: yes. Not counted in ClinVar's aggregate classification.
Comment: Criteria applied: PVS1,PM3_VSTR,PM2_SUP

Labcorp Genetics (formerly Invitae), Labcorp
Classification: Pathogenic for Cystic fibrosis. Last evaluated: 2024-11-19. Review status: criteria provided, single submitter. Criteria: Invitae Variant Classification Sherloc (09022015). Collection method: clinical testing. Allele origin: germline. Not counted in ClinVar's aggregate classification.
Comment: This sequence change creates a premature translational stop signal (p.Ser1297Phefs*5) in the CFTR gene. It is expected to result in an absent or disrupted protein product. Loss-of-function variants in CFTR are known to be pathogenic (PMID: 1695717, 7691345, 9725922). This variant is present in population databases (rs749871110, gnomAD 0.007%). This premature translational stop signal has been observed in individual(s) with cystic fibrosis (PMID: 7684644, 23974870). This variant is also known as 4016 insT or c.3884_3885insT. ClinVar contains an entry for this variant (Variation ID: 53841). For these reasons, this variant has been classified as Pathogenic.

Natera, Inc.
Classification: Pathogenic for CFTR-related disorders. Last evaluated: 2024-06-04. Review status: criteria provided, single submitter. Criteria: Natera Variant Classification Schema (03/2026). Collection method: clinical testing. Allele origin: germline. Not counted in ClinVar's aggregate classification.
Comment: The c.3889dupT variant in CFTR is a frameshift variant predicted to shift the reading frame beginning at codon 1297 and leads to a stop codon 5 codons downstream. This variant is expected to result in nonsense mediated decay, truncation, or a dysfunctional protein product. This variant is rare in the general population with a frequency below the threshold expected for the associated phenotype(s). This variant has been observed in one or more individuals affected with the associated recessive disease, as either homozygous or compound heterozygous with a second variant (PMID: 32026723, 28603918, 7472820). Given the available evidence, this variant is classified as Pathogenic.

Fulgent Genetics
Classification: Pathogenic for Hereditary pancreatitis; Bronchiectasis with or without elevated sweat chloride 1; Cystic fibrosis; Congenital bilateral aplasia of vas deferens from CFTR mutation. Last evaluated: 2024-05-29. Review status: criteria provided, single submitter. Criteria: ACMG Guidelines, 2015. Collection method: clinical testing. Allele origin: germline. Not counted in ClinVar's aggregate classification.

Genomic Medicine Center of Excellence, King Faisal Specialist Hospital and Research Centre
Classification: Pathogenic for Cystic fibrosis. Last evaluated: 2024-03-25. Review status: criteria provided, single submitter. Criteria: ACMG Guidelines, 2015. Collection method: research. Allele origin: germline. Not counted in ClinVar's aggregate classification.

Baylor Genetics
Classification: Pathogenic for Bronchiectasis with or without elevated sweat chloride 1. Last evaluated: 2023-09-27. Review status: criteria provided, single submitter. Criteria: ACMG Guidelines, 2015. Collection method: clinical testing. Allele origin: unknown. Not counted in ClinVar's aggregate classification.

Genome Diagnostics Laboratory, The Hospital for Sick Children
Classification: Pathogenic for Cystic fibrosis. Last evaluated: 2021-07-22. Review status: criteria provided, single submitter. Criteria: ACMG Guidelines, 2015. Collection method: clinical testing. Allele origin: germline. Not counted in ClinVar's aggregate classification.

Mendelics
Classification: Pathogenic for Cystic fibrosis. Last evaluated: 2018-11-05. Review status: criteria provided, single submitter. Criteria: Mendelics Assertion Criteria 2017. Collection method: clinical testing. Allele origin: unknown. Affected: yes. Not counted in ClinVar's aggregate classification.

CFTR-France
Classification: Pathogenic for cystic fibrosis. Last evaluated: 2018-01-29. Review status: criteria provided, single submitter. Criteria: Claustres M et al. (Hum Mutat 2017). Collection method: curation. Allele origin: germline. Affected: yes. Not counted in ClinVar's aggregate classification.

Women's Health and Genetics/Laboratory Corporation of America, LabCorp
Classification: Pathogenic for Cystic fibrosis. Last evaluated: 2017-07-18. Review status: criteria provided, single submitter. Criteria: LabCorp Variant Classification Summary - May 2015. Collection method: clinical testing. Allele origin: germline. Not counted in ClinVar's aggregate classification.
Comment: Variant summary: The CFTR c.3889dupT (p.Ser1297Phefs) variant results in a premature termination codon, predicted to cause a truncated or absent CFTR protein due to nonsense mediated decay, which are commonly known mechanisms for disease. Truncations downstream of this position have been classified as pathogenic by our laboratory (e.g. c.3937C>T, p.Gln1313X; c.4077_4080delinsAA, p.Val1360fs). One in silico tool predicts a damaging outcome for this variant. This variant was found in 3/119932 control chromosomes at a frequency of 0.000025, which does not exceed the estimated maximal expected allele frequency of a pathogenic CFTR variant (0.0129603). This variant was reported in multiple CF patients (Sosnay_Nature Genetics_2013, Behar_Mol Genet Gen Med_2017) and has been reported by reputable databases/clinical labs as pathogenic. Taken together, this variant is classified as pathogenic.

Quest Diagnostics Nichols Institute San Juan Capistrano
Classification: Pathogenic. Last evaluated: 2016-09-30. Review status: criteria provided, single submitter. Criteria: Quest Diagnostics criteria. Collection method: clinical testing. Allele origin: germline. Not counted in ClinVar's aggregate classification.

Baylor Genetics
Classification: Pathogenic for Congenital bilateral aplasia of vas deferens from CFTR mutation; Cystic fibrosis. Review status: criteria provided, single submitter. Criteria: ACMG Guidelines, 2015. Collection method: clinical testing. Allele origin: germline. Not counted in ClinVar's aggregate classification.

Genome Diagnostics Laboratory, The Hospital for Sick Children
Classification: Pathogenic for CFTR-related disorders. Last evaluated: 2021-07-22. Review status: no assertion criteria provided. Collection method: clinical testing. Allele origin: germline. Not counted in ClinVar's aggregate classification.

Counsyl
Classification: Pathogenic for Cystic fibrosis. Last evaluated: 2016-05-04. Review status: no assertion criteria provided. Collection method: clinical testing. Allele origin: unknown. Not counted in ClinVar's aggregate classification.

Literature cited by the submitters: PubMed 1695717 (cited by Labcorp Genetics (formerly Invitae), Labcorp); PubMed 7691345 (cited by Labcorp Genetics (formerly Invitae), Labcorp); PubMed 9725922 (cited by Labcorp Genetics (formerly Invitae), Labcorp); PubMed 7684644 (cited by Labcorp Genetics (formerly Invitae), Labcorp and Women's Health and Genetics/Laboratory Corporation of America, LabCorp); PubMed 23974870 (cited by 4 submitters); PubMed 32026723 (cited by Natera, Inc.); PubMed 28603918 (cited by Natera, Inc.); PubMed 7472820 (cited by Natera, Inc.); PubMed 10388469 (cited by Women's Health and Genetics/Laboratory Corporation of America, LabCorp and Quest Diagnostics Nichols Institute San Juan Capistrano); PubMed 21429822 (cited by Women's Health and Genetics/Laboratory Corporation of America, LabCorp); PubMed 22020151 (cited by Women's Health and Genetics/Laboratory Corporation of America, LabCorp and Quest Diagnostics Nichols Institute San Juan Capistrano); PubMed 18456578 (cited by Quest Diagnostics Nichols Institute San Juan Capistrano and Counsyl); PubMed 22658665 (cited by Quest Diagnostics Nichols Institute San Juan Capistrano); PubMed 26500004 (cited by Quest Diagnostics Nichols Institute San Juan Capistrano); PubMed 18279436 (cited by Quest Diagnostics Nichols Institute San Juan Capistrano).